The following is an entry in ClinVar:

NM_001040108.2(MLH3):c.617A>G (p.Asp206Gly)

Gene: MLH3 (mutL homolog 3; minus strand). Cytogenetic location: 14q24.3.
Variant type: single nucleotide variant.
Coding change: c.617A>G on transcript NM_001040108.2 (MANE Select); coding-DNA position 617, A replaced by G.
Protein change: p.Asp206Gly; replaces aspartic acid 206 with glycine.
Molecular consequence: missense variant.
Genome position (GRCh38, 1-based): chr14:75,049,039, T>C on the plus strand (A>G on the coding strand, the complement: MLH3 is on the minus strand). VCF-style: chr14-75049039-T-C. GRCh37 (hg19) VCF-style: chr14-75515742-T-C.
Other names: c.617A>G, p.Asp206Gly (NM_014381.3); short protein forms D206G.
Identifiers: ClinVar variation 410900 (VCV000410900.12), dbSNP rs764643218, ClinGen allele CA7276000.

ClinVar aggregate classification (germline): Uncertain significance. Review status: criteria provided, multiple submitters, no conflicts (2 of 4 stars). 2 submissions from 2 submitters: Uncertain significance (2). Last evaluated 2025-03-31.

Conditions:
Colorectal cancer, hereditary nonpolyposis, type 7. Identifiers: Orphanet 144, MedGen C1858380, MONDO:0013725, OMIM 614385.

Allele frequency attached by ClinVar (database versions not stated): gnomAD exomes below 0.00001 and 0.00001; ExAC 0.00001; gnomAD 0.00006; TOPMed 0.00006.
gnomAD v4.1: 12 of 1,613,978 alleles (0.00074%); highest among the groups gnomAD compares: African/African-American, 0.013%; no homozygotes.

Submissions (2):

Ambry Genetics
Classification: Uncertain significance. Last evaluated: 2025-03-31. Review status: criteria provided, single submitter. Criteria: Ambry Variant Classification Scheme 2023. Collection method: clinical testing. Allele origin: germline.
Comment: The p.D206G variant (also known as c.617A>G), located in coding exon 1 of the MLH3 gene, results from an A to G substitution at nucleotide position 617. The aspartic acid at codon 206 is replaced by glycine, an amino acid with similar properties. This amino acid position is not well conserved in available vertebrate species. In addition, the in silico prediction for this alteration is inconclusive. The evidence for this gene-disease relationship is limited; therefore, the clinical significance of this alteration is unclear.

Labcorp Genetics (formerly Invitae), Labcorp
Classification: Uncertain significance for Colorectal cancer, hereditary nonpolyposis, type 7. Last evaluated: 2022-09-30. Review status: criteria provided, single submitter. Criteria: Invitae Variant Classification Sherloc (09022015). Collection method: clinical testing. Allele origin: germline.
Comment: Algorithms developed to predict the effect of missense changes on protein structure and function are either unavailable or do not agree on the potential impact of this missense change (SIFT: "Tolerated"; PolyPhen-2: "Possibly Damaging"; Align-GVGD: "Class C0"). ClinVar contains an entry for this variant (Variation ID: 410900). This variant has not been reported in the literature in individuals affected with MLH3-related conditions. This variant is present in population databases (rs764643218, gnomAD 0.02%). This sequence change replaces aspartic acid, which is acidic and polar, with glycine, which is neutral and non-polar, at codon 206 of the MLH3 protein (p.Asp206Gly). In summary, the available evidence is currently insufficient to determine the role of this variant in disease. Therefore, it has been classified as a Variant of Uncertain Significance.